The following is an entry in ClinVar:

ClinVar aggregate classification (germline): Uncertain significance (1 of 4 stars; one submission).

Conditions:
Fanconi anemia complementation group J. Also called: BRIP1-Related Fanconi Anemia. Identifiers: Orphanet 84, MedGen C1836860, MONDO:0012187, OMIM 609054.
Familial cancer of breast. Also called: BREAST CANCER, FAMILIAL; Hereditary breast cancer; hereditary breast carcinoma. Identifiers: Orphanet 227535, MedGen C0346153, MONDO:0016419, OMIM 114480. Disease mechanism: loss of function.

Submission:

Labcorp Genetics (formerly Invitae), Labcorp
Classification: Uncertain significance for Familial cancer of breast; Fanconi anemia complementation group J. Last evaluated: 2025-07-31. Review status: criteria provided, single submitter. Criteria: Invitae Variant Classification Sherloc (09022015). Collection method: clinical testing. Allele origin: germline.
Comment: This sequence change replaces histidine, which is basic and polar, with arginine, which is basic and polar, at codon 91 of the BRIP1 protein (p.His91Arg). This variant is not present in population databases (gnomAD no frequency). This variant has not been reported in the literature in individuals affected with BRIP1-related conditions. ClinVar contains an entry for this variant (Variation ID: 3756496). Invitae Evidence Modeling of protein sequence and biophysical properties (such as structural, functional, and spatial information, amino acid conservation, physicochemical variation, residue mobility, and thermodynamic stability) has been performed for this missense variant. However, the output from this modeling did not meet the statistical confidence thresholds required to predict the impact of this variant on BRIP1 protein function. In summary, the available evidence is currently insufficient to determine the role of this variant in disease. Therefore, it has been classified as a Variant of Uncertain Significance.

NM_032043.3(BRIP1):c.272A>G (p.His91Arg)

Gene: BRIP1 (BRCA1 interacting DNA helicase 1; minus strand). Cytogenetic location: 17q23.2.
Variant type: single nucleotide variant.
Coding change: c.272A>G on transcript NM_032043.3 (MANE Select); coding-DNA position 272, A replaced by G.
Protein change: p.His91Arg; replaces histidine 91 with arginine.
Molecular consequence: missense variant.
Genome position (GRCh38, 1-based): chr17:61,857,165, T>C on the plus strand (A>G on the coding strand, the complement: BRIP1 is on the minus strand). VCF-style: chr17-61857165-T-C. GRCh37 (hg19) VCF-style: chr17-59934526-T-C.
Other names: short protein forms H91R.
Identifiers: ClinVar variation 3756496 (VCV003756496.2).
Genomic context (GRCh38, chr17:61,857,165, plus strand): 5'-GGATAGTTGAAATGACGTGAAGTTCCTTGGTTCATGTCATTGTTTGTAAAATCCTTTGAA[T>C]GGCATGCACAACAACATGACAATTGTACTTCAGCTTTTTCACTTACGCCCTCATCTGCTG-3'
Protein context (NP_114432.2, residues 81-101): EVQLSCCCAC[His91Arg]SKDFTNNDMN